The following is an entry in ClinVar:

ClinVar aggregate classification (germline): Uncertain significance. Review status: criteria provided, multiple submitters, no conflicts (2 of 4 stars). 3 submissions from 3 submitters: Uncertain significance (3). Last evaluated 2025-07-30.

Conditions:
Costello syndrome (CSTLO). Also called: FACIOCUTANEOSKELETAL SYNDROME; FCS SYNDROME; HRAS-Related Costello Syndrome. Identifiers: Orphanet 3071, MedGen C0587248, MONDO:0009026, OMIM 218040.

Allele frequency attached by ClinVar (database versions not stated): gnomAD 0.00001; gnomAD exomes 0.00001; TOPMed 0.00001; ExAC 0.00002.
gnomAD v4.1: 19 of 1,612,846 alleles (0.0012%); highest among the groups gnomAD compares: Middle Eastern, 0.016%; no homozygotes.

Submissions (3):

Labcorp Genetics (formerly Invitae), Labcorp
Classification: Uncertain significance for Costello syndrome. Last evaluated: 2025-07-30. Review status: criteria provided, single submitter. Criteria: Invitae Variant Classification Sherloc (09022015). Collection method: clinical testing. Allele origin: germline.
Comment: This sequence change replaces glycine, which is neutral and non-polar, with serine, which is neutral and polar, at codon 180 of the HRAS protein (p.Gly180Ser). This variant is present in population databases (rs772602067, gnomAD 0.003%). This variant has not been reported in the literature in individuals affected with HRAS-related conditions. ClinVar contains an entry for this variant (Variation ID: 654278). Invitae Evidence Modeling incorporating data from in vitro experimental studies (internal data) indicates that this missense variant is not expected to disrupt HRAS function with a negative predictive value of 95%. In summary, the available evidence is currently insufficient to determine the role of this variant in disease. Therefore, it has been classified as a Variant of Uncertain Significance.

GeneDx
Classification: Uncertain significance. Last evaluated: 2022-01-24. Review status: criteria provided, single submitter. Criteria: GeneDx Variant Classification Process June 2021. Collection method: clinical testing. Allele origin: germline. Affected: yes.
Comment: Missense variants in this gene are often considered pathogenic (HGMD); In silico analysis supports that this missense variant does not alter protein structure/function; Has not been previously published as pathogenic or benign to our knowledge; Reported in ClinVar as a variant of uncertain significance (ClinVar Variant ID# 654278)

Breakthrough Genomics
Classification: Uncertain significance. Review status: criteria provided, single submitter. Criteria: ACMG Guidelines, 2015. Collection method: not provided. Allele origin: germline. Inheritance: Autosomal dominant inheritance. Affected: yes.

NM_005343.4(HRAS):c.538G>A (p.Gly180Ser)

Genes: HRAS (HRas proto-oncogene, GTPase; minus strand), LRRC56 (leucine rich repeat containing 56; plus strand). Cytogenetic location: 11p15.5.
Variant type: single nucleotide variant.
Coding change: c.538G>A on transcript NM_005343.4 (MANE Select); coding-DNA position 538, G replaced by A.
Protein change: p.Gly180Ser; replaces glycine 180 with serine.
Molecular consequence: missense variant. On other transcripts: 3 prime UTR variant (1).
Genome position (GRCh38, 1-based): chr11:532,668, C>T on the plus strand (G>A on the coding strand, the complement: HRAS is on the minus strand). VCF-style: chr11-532668-C-T. GRCh37 (hg19) VCF-style: chr11-532668-C-T.
Other names: c.538G>A, p.Gly180Ser (NM_001130442.3); c.301G>A, p.Gly101Ser (NM_001318054.2); c.*107G>A (NM_176795.5); short protein forms G101S, G180S.
Identifiers: ClinVar variation 654278 (VCV000654278.11), dbSNP rs772602067, ClinGen allele CA5779210.